The following is an entry in ClinVar:

ClinVar aggregate classification (germline): Uncertain significance (1 of 4 stars; one submission).

Conditions:
Hypertrophic cardiomyopathy 19. Also called: Familial hypertrophic cardiomyopathy 19. Identifiers: MedGen CN077603, MONDO:0013476.

Allele frequency attached by ClinVar (database versions not stated): gnomAD exomes below 0.00001; TOPMed below 0.00001.
gnomAD v4.1: 1 of 1,613,528 alleles (0.000062%); highest among the groups gnomAD compares: Non-Finnish European, 0.000085%; no homozygotes.

Submission:

Labcorp Genetics (formerly Invitae), Labcorp
Classification: Uncertain significance for Hypertrophic cardiomyopathy 19. Last evaluated: 2016-11-12. Review status: criteria provided, single submitter. Criteria: Invitae Variant Classification Sherloc (09022015). Collection method: clinical testing. Allele origin: germline.
Comment: This sequence change replaces glutamic acid with lysine at codon 61 of the CALR3 protein (p.Glu61Lys). The glutamic acid residue is weakly conserved and there is a small physicochemical difference between glutamic acid and lysine. This variant is not present in population databases (ExAC no frequency) and has not been reported in the literature in individuals with a CALR3-related disease. In summary, this variant is a novel missense change with uncertain impact on protein function. It has been classified as a Variant of Uncertain Significance. Algorithms developed to predict the effect of missense changes on protein structure and function do not agree on the potential impact of this missense change (SIFT: "Tolerated"; PolyPhen-2: "Possibly Damaging"; Align-GVGD: "Class C0").

NM_145046.5(CALR3):c.181G>A (p.Glu61Lys)

Gene: CALR3 (calreticulin 3; minus strand). Cytogenetic location: 19p13.11.
Variant type: single nucleotide variant.
Coding change: c.181G>A on transcript NM_145046.5 (MANE Select); coding-DNA position 181, G replaced by A.
Protein change: p.Glu61Lys; replaces glutamic acid 61 with lysine.
Molecular consequence: missense variant.
Genome position (GRCh38, 1-based): chr19:16,495,763, C>T on the plus strand (G>A on the coding strand, the complement: CALR3 is on the minus strand). VCF-style: chr19-16495763-C-T. GRCh37 (hg19) VCF-style: chr19-16606574-C-T.
Other names: short protein forms E61K.
Identifiers: ClinVar variation 410620 (VCV000410620.9), dbSNP rs1060502978, ClinGen allele CA16616029.